The following is an entry in ClinVar:

ClinVar aggregate classification (germline): Uncertain significance (1 of 4 stars; one submission).

Conditions:
Charcot-Marie-Tooth disease X-linked dominant 6. Also called: CHARCOT-MARIE-TOOTH NEUROPATHY, X-LINKED DOMINANT, 6. Identifiers: Orphanet 352675, MedGen C3806702, MONDO:0010479, OMIM 300905.

Submission:

Labcorp Genetics (formerly Invitae), Labcorp
Classification: Uncertain significance for Charcot-Marie-Tooth disease X-linked dominant 6. Last evaluated: 2025-08-04. Review status: criteria provided, single submitter. Criteria: Invitae Variant Classification Sherloc (09022015). Collection method: clinical testing. Allele origin: germline.
Comment: This sequence change replaces valine, which is neutral and non-polar, with phenylalanine, which is neutral and non-polar, at codon 274 of the PDK3 protein (p.Val274Phe). This variant is not present in population databases (gnomAD no frequency). This variant has not been reported in the literature in individuals affected with PDK3-related conditions. Invitae Evidence Modeling of protein sequence and biophysical properties (such as structural, functional, and spatial information, amino acid conservation, physicochemical variation, residue mobility, and thermodynamic stability) has been performed for this missense variant. However, the output from this modeling did not meet the statistical confidence thresholds required to predict the impact of this variant on PDK3 protein function. In summary, the available evidence is currently insufficient to determine the role of this variant in disease. Therefore, it has been classified as a Variant of Uncertain Significance.

NM_005391.5(PDK3):c.820G>T (p.Val274Phe)

Gene: PDK3 (pyruvate dehydrogenase kinase 3; plus strand). Cytogenetic location: Xp22.11.
Variant type: single nucleotide variant.
Coding change: c.820G>T on transcript NM_005391.5 (MANE Select); coding-DNA position 820, G replaced by T.
Protein change: p.Val274Phe; replaces valine 274 with phenylalanine.
Molecular consequence: missense variant.
Genome position (GRCh38, 1-based): chrX:24,527,643, G>T. VCF-style: chrX-24527643-G-T. GRCh37 (hg19) VCF-style: chrX-24545760-G-T.
Other names: c.820G>T, p.Val274Phe (NM_001142386.3); short protein forms V274F.
Identifiers: ClinVar variation 4760577 (VCV004760577.1).
Genomic context (GRCh38, chrX:24,527,643, plus strand): 5'-AGAGCGACAGTTGAACTCTATGAAGACAGAAAAGAGGGCTACCCTGCTGTTAAAACCCTC[G>T]TTACTTTGGGTAAAGAAGACTTATCCATTAAGGTAACTGTTTTATGTGCATGTATACTTT-3'
Protein context (NP_005382.1, residues 264-284): KEGYPAVKTL[Val274Phe]TLGKEDLSIK